The following is an entry in ClinVar:

NM_032043.3(BRIP1):c.3730A>C (p.Met1244Leu)

Gene: BRIP1 (BRCA1 interacting DNA helicase 1; minus strand). Cytogenetic location: 17q23.2.
Variant type: single nucleotide variant.
Coding change: c.3730A>C on transcript NM_032043.3 (MANE Select); coding-DNA position 3730, A replaced by C.
Protein change: p.Met1244Leu; replaces methionine 1244 with leucine.
Molecular consequence: missense variant.
Genome position (GRCh38, 1-based): chr17:61,683,316, T>G on the plus strand (A>C on the coding strand, the complement: BRIP1 is on the minus strand). VCF-style: chr17-61683316-T-G. GRCh37 (hg19) VCF-style: chr17-59760677-T-G.
Other names: short protein forms M1244L.
Identifiers: ClinVar variation 824137 (VCV000824137.10), dbSNP rs761468878, ClinGen allele CA8690334.

ClinVar aggregate classification (germline): Uncertain significance. Review status: criteria provided, multiple submitters, no conflicts (2 of 4 stars). 2 submissions from 2 submitters: Uncertain significance (2). Last evaluated 2025-10-02.

Conditions:
Hereditary cancer-predisposing syndrome. Also called: Neoplastic Syndromes, Hereditary; Hereditary Cancer Syndrome; Hereditary neoplastic syndrome; Tumor predisposition. Identifiers: Orphanet 140162, MedGen C0027672, MeSH D009386, MONDO:0015356.
Fanconi anemia complementation group J. Also called: BRIP1-Related Fanconi Anemia. Identifiers: Orphanet 84, MedGen C1836860, MONDO:0012187, OMIM 609054.
Familial cancer of breast. Also called: hereditary breast carcinoma; BREAST CANCER, FAMILIAL; Hereditary breast cancer. Identifiers: Orphanet 227535, MedGen C0346153, MONDO:0016419, OMIM 114480. Disease mechanism: loss of function.

Allele frequency attached by ClinVar (database versions not stated): gnomAD exomes below 0.00001; ExAC 0.00001.

Submissions (2):

Ambry Genetics
Classification: Uncertain significance for Hereditary cancer-predisposing syndrome. Last evaluated: 2025-10-02. Review status: criteria provided, single submitter. Criteria: Ambry Variant Classification Scheme 2023. Collection method: clinical testing. Allele origin: germline.
Comment: The p.M1244L variant (also known as c.3730A>C), located in coding exon 19 of the BRIP1 gene, results from an A to C substitution at nucleotide position 3730. The methionine at codon 1244 is replaced by leucine, an amino acid with highly similar properties. This amino acid position is poorly conserved in available vertebrate species. In addition, this alteration is predicted to be tolerated by in silico analysis. Since supporting evidence is limited at this time, the clinical significance of this alteration remains unclear.

Labcorp Genetics (formerly Invitae), Labcorp
Classification: Uncertain significance for Familial cancer of breast; Fanconi anemia complementation group J. Last evaluated: 2025-07-27. Review status: criteria provided, single submitter. Criteria: Invitae Variant Classification Sherloc (09022015). Collection method: clinical testing. Allele origin: germline.
Comment: This sequence change replaces methionine, which is neutral and non-polar, with leucine, which is neutral and non-polar, at codon 1244 of the BRIP1 protein (p.Met1244Leu). This variant is present in population databases (rs761468878, gnomAD 0.0009%). This variant has not been reported in the literature in individuals affected with BRIP1-related conditions. ClinVar contains an entry for this variant (Variation ID: 824137). Invitae Evidence Modeling of protein sequence and biophysical properties (such as structural, functional, and spatial information, amino acid conservation, physicochemical variation, residue mobility, and thermodynamic stability) indicates that this missense variant is not expected to disrupt BRIP1 protein function with a negative predictive value of 95%. In summary, the available evidence is currently insufficient to determine the role of this variant in disease. Therefore, it has been classified as a Variant of Uncertain Significance.